The following is an entry in ClinVar:

NM_002113.3(CFHR1):c.433A>G (p.Thr145Ala)

Gene: CFHR1 (complement factor H related 1; plus strand). Cytogenetic location: 1q31.3.
Variant type: single nucleotide variant.
Coding change: c.433A>G on transcript NM_002113.3 (MANE Select); coding-DNA position 433, A replaced by G.
Protein change: p.Thr145Ala; replaces threonine 145 with alanine.
Molecular consequence: missense variant. On other transcripts: intron variant (1).
Genome position (GRCh38, 1-based): chr1:196,828,072, A>G. VCF-style: chr1-196828072-A-G. GRCh37 (hg19) VCF-style: chr1-196797202-A-G.
Other names: c.382A>G, p.Thr128Ala (NM_001379306.1); c.271A>G, p.Thr91Ala (NM_001379307.1); c.268A>G, p.Thr90Ala (NM_001379308.1); c.265A>G, p.Thr89Ala (NM_001379309.1); c.238A>G, p.Thr80Ala (NM_001379310.1); c.190A>G, p.Thr64Ala (NM_001379312.1); c.254-25A>G (NM_001379311.1); short protein forms T128A, T145A, T64A, T80A, T89A, T90A, T91A.
Identifiers: ClinVar variation 3895557 (VCV003895557.1).

ClinVar aggregate classification (germline): Uncertain significance (1 of 4 stars; one submission).

Submission:

Women's Health and Genetics/Laboratory Corporation of America, LabCorp
Classification: Uncertain significance. Last evaluated: 2025-03-18. Review status: criteria provided, single submitter. Criteria: LabCorp Variant Classification Summary - May 2015. Collection method: clinical testing. Allele origin: germline.
Comment: Variant summary: CFHR1 c.433A>G (p.Thr145Ala) results in a non-conservative amino acid change in the encoded protein sequence. Four of five in-silico tools predict a benign effect of the variant on protein function. The variant was absent in 232922 control chromosomes. The available data on variant occurrences in the general population are insufficient to allow any conclusion about variant significance. To our knowledge, no occurrence of c.433A>G in individuals affected with Genetic Atypical Hemolytic Uremic Syndrome and no experimental evidence demonstrating its impact on protein function have been reported. No submitters have cited clinical-significance assessments for this variant to ClinVar. Based on the evidence outlined above, the variant was classified as uncertain significance.